The following is an entry in ClinVar:

ClinVar aggregate classification (germline): Uncertain significance (1 of 4 stars; one submission).

Conditions:
Hereditary cancer-predisposing syndrome. Also called: Neoplastic Syndromes, Hereditary; Tumor predisposition; Hereditary neoplastic syndrome; Hereditary Cancer Syndrome. Identifiers: Orphanet 140162, MedGen C0027672, MeSH D009386, MONDO:0015356.

Submission:

Ambry Genetics
Classification: Uncertain significance for Hereditary cancer-predisposing syndrome. Last evaluated: 2025-04-24. Review status: criteria provided, single submitter. Criteria: Ambry Variant Classification Scheme 2023. Collection method: clinical testing. Allele origin: germline.
Comment: The p.L876Q variant (also known as c.2627T>A), located in coding exon 10 of the MET gene, results from a T to A substitution at nucleotide position 2627. The leucine at codon 876 is replaced by glutamine, an amino acid with dissimilar properties. This amino acid position is conserved. In addition, the in silico prediction for this alteration is inconclusive. Based on the available evidence, the clinical significance of this variant remains unclear.

NM_000245.4(MET):c.2573T>A (p.Leu858Gln)

Gene: MET (MET proto-oncogene, receptor tyrosine kinase; plus strand). Cytogenetic location: 7q31.2.
Variant type: single nucleotide variant.
Coding change: c.2573T>A on transcript NM_000245.4 (MANE Select); coding-DNA position 2573, T replaced by A.
Protein change: p.Leu858Gln; replaces leucine 858 with glutamine.
Molecular consequence: missense variant.
Genome position (GRCh38, 1-based): chr7:116,763,258, T>A. VCF-style: chr7-116763258-T-A. GRCh37 (hg19) VCF-style: chr7-116403312-T-A.
Other names: c.2627T>A, p.Leu876Gln (NM_001127500.3); c.2573T>A, p.Leu858Gln (NM_001324401.3); c.1283T>A, p.Leu428Gln (NM_001324402.2); short protein forms L858Q, L428Q, L876Q.
Identifiers: ClinVar variation 4053962 (VCV004053962.1).
Genomic context (GRCh38, chr7:116,763,258, plus strand): 5'-ATCCTGTGTTTAAGCCTTTTGAAAAGCCAGTGATGATCTCAATGGGCAATGAAAATGTAC[T>A]GGAAATTAAGGTAAGAAATGCTTTAAACACTGTCTTAAATCATCAGCTCAAACTTAATTG-3'
Protein context (NP_000236.2, residues 848-868): VMISMGNENV[Leu858Gln]EIKGNDIDPE